The following is an entry in ClinVar:

NM_000069.3(CACNA1S):c.5035C>T (p.His1679Tyr)

Gene: CACNA1S (calcium voltage-gated channel subunit alpha1 S; minus strand). Cytogenetic location: 1q32.1.
Variant type: single nucleotide variant.
Coding change: c.5035C>T on transcript NM_000069.3 (MANE Select); coding-DNA position 5035, C replaced by T.
Protein change: p.His1679Tyr; replaces histidine 1679 with tyrosine.
Molecular consequence: missense variant.
Genome position (GRCh38, 1-based): chr1:201,043,294, G>A on the plus strand (C>T on the coding strand, the complement: CACNA1S is on the minus strand). VCF-style: chr1-201043294-G-A. GRCh37 (hg19) VCF-style: chr1-201012422-G-A.
Other names: short protein forms H1679Y.
Identifiers: ClinVar variation 4758607 (VCV004758607.1).

ClinVar aggregate classification (germline): Uncertain significance (1 of 4 stars; one submission).

Conditions:
Malignant hyperthermia, susceptibility to, 5 (MHS5). Also called: CACNA1S-Related Malignant Hyperthermia Susceptibility. Identifiers: Orphanet 423, MedGen C1866077, MONDO:0011163, OMIM 601887.

gnomAD v4.1: 1 of 1,614,198 alleles (0.000062%); highest among the groups gnomAD compares: Non-Finnish European, 0.000085%; no homozygotes.

Submission:

Color Diagnostics, LLC DBA Color Health
Classification: Uncertain significance for Malignant hyperthermia, susceptibility to, 5. Last evaluated: 2025-07-08. Review status: criteria provided, single submitter. Criteria: ACMG Guidelines, 2015. Collection method: clinical testing. Allele origin: germline.
Comment: This missense variant replaces histidine with tyrosine at codon 1679 of the CACNA1S protein. Computational prediction suggests that this variant may not impact protein structure and function. To our knowledge, functional studies have not been reported for this variant. This variant has not been reported in individuals affected with CACNA1S-related disorders in the literature. This variant has not been identified in the general population by the Genome Aggregation Database (gnomAD). The available evidence is insufficient to determine the role of this variant in disease conclusively. Therefore, this variant is classified as a Variant of Uncertain Significance.